The following is an entry in ClinVar:

NM_000059.4(BRCA2):c.7982A>G (p.Asp2661Gly)

Gene: BRCA2 (BRCA2 DNA repair associated; plus strand). Cytogenetic location: 13q13.1.
Variant type: single nucleotide variant.
Coding change: c.7982A>G on transcript NM_000059.4 (MANE Select); coding-DNA position 7982, A replaced by G.
Protein change: p.Asp2661Gly; replaces aspartic acid 2661 with glycine.
Molecular consequence: missense variant. On other transcripts: non-coding transcript variant (1).
Genome position (GRCh38, 1-based): chr13:32,363,184, A>G. VCF-style: chr13-32363184-A-G. GRCh37 (hg19) VCF-style: chr13-32937321-A-G.
Other names: c.7886A>G, p.Asp2629Gly (NM_001406719.1); c.7982A>G, p.Asp2661Gly (NM_001406720.1); c.3050A>G, p.Asp1017Gly (NM_001406721.1); c.1565A>G, p.Asp522Gly (NM_001406722.1); short protein forms D2661G, D1017G, D2629G, D522G.
Identifiers: ClinVar variation 2560934 (VCV002560934.2), dbSNP rs2137579611, ClinGen allele CA387748516.

ClinVar aggregate classification (germline): Uncertain significance (1 of 4 stars; one submission).

Conditions:
Hereditary cancer-predisposing syndrome. Also called: Neoplastic Syndromes, Hereditary; Hereditary Cancer Syndrome; Hereditary neoplastic syndrome; Tumor predisposition. Identifiers: Orphanet 140162, MedGen C0027672, MeSH D009386, MONDO:0015356.

Submission:

Ambry Genetics
Classification: Uncertain significance for Hereditary cancer-predisposing syndrome. Last evaluated: 2023-05-28. Review status: criteria provided, single submitter. Criteria: Ambry Variant Classification Scheme 2023. Collection method: clinical testing. Allele origin: germline.
Comment: The p.D2661G variant (also known as c.7982A>G), located in coding exon 17 of the BRCA2 gene, results from an A to G substitution at nucleotide position 7982. The aspartic acid at codon 2661 is replaced by glycine, an amino acid with similar properties. This amino acid position is conserved. In addition, this alteration is predicted to be deleterious by in silico analysis. Since supporting evidence is limited at this time, the clinical significance of this alteration remains unclear.